The following is an entry in ClinVar:

ClinVar aggregate classification (germline): Uncertain significance (1 of 4 stars; one submission).

Conditions:
NOTCH2-related disorder. Also called: NOTCH2-related condition.

gnomAD v4.1: 4 of 1,613,802 alleles (0.00025%); highest among the groups gnomAD compares: Non-Finnish European, 0.00034%; no homozygotes.

Submission:

PreventionGenetics, part of Exact Sciences
Classification: Uncertain significance for NOTCH2-related condition. Last evaluated: 2025-01-02. Review status: criteria provided, single submitter. Criteria: ACMG Guidelines, 2015. Collection method: clinical testing. Allele origin: germline.
Comment: The NOTCH2 c.4196C>T variant is predicted to result in the amino acid substitution p.Ser1399Phe. To our knowledge, this variant has not been reported in the literature. This variant is reported in 0.00089% of alleles in individuals of European (Non-Finnish) descent in gnomAD. At this time, the clinical significance of this variant is uncertain due to the absence of conclusive functional and genetic evidence.

NM_024408.4(NOTCH2):c.4196C>T (p.Ser1399Phe)

Gene: NOTCH2 (notch receptor 2; minus strand). Cytogenetic location: 1p12.
Variant type: single nucleotide variant.
Coding change: c.4196C>T on transcript NM_024408.4 (MANE Select); coding-DNA position 4196, C replaced by T.
Protein change: p.Ser1399Phe; replaces serine 1399 with phenylalanine.
Molecular consequence: missense variant.
Genome position (GRCh38, 1-based): chr1:119,925,620, G>A on the plus strand (C>T on the coding strand, the complement: NOTCH2 is on the minus strand). VCF-style: chr1-119925620-G-A. GRCh37 (hg19) VCF-style: chr1-120468243-G-A.
Other names: short protein forms S1399F.
Identifiers: ClinVar variation 4984574 (VCV004984574.1).